The following is an entry in ClinVar:

NM_001375524.1(TRRAP):c.10400A>G (p.Lys3467Arg)

Gene: TRRAP (transformation/transcription domain associated protein; plus strand). Cytogenetic location: 7q22.1.
Variant type: single nucleotide variant.
Coding change: c.10400A>G on transcript NM_001375524.1 (MANE Select); coding-DNA position 10400, A replaced by G.
Protein change: p.Lys3467Arg; replaces lysine 3467 with arginine.
Molecular consequence: missense variant.
Genome position (GRCh38, 1-based): chr7:99,004,280, A>G. VCF-style: chr7-99004280-A-G. GRCh37 (hg19) VCF-style: chr7-98601903-A-G.
Other names: c.10358A>G, p.Lys3453Arg (NM_001244580.2); c.10271A>G, p.Lys3424Arg (NM_003496.4); short protein forms K3424R, K3453R, K3467R.
Identifiers: ClinVar variation 5020215 (VCV005020215.1).

ClinVar aggregate classification (germline): Uncertain significance (1 of 4 stars; one submission).

Submission:

Dasa
Classification: Uncertain significance. Last evaluated: 2026-07-10. Review status: criteria provided, single submitter. Criteria: DASA Assertion Criteria. Collection method: clinical testing. Allele origin: germline.
Comment: NM_001375524.1(TRRAP):c.10400A>G (p.Lys3467Arg) is a missense variant that results in the substitution of lysine with arginine. This variant is rare in population databases. The currently available literature and clinical evidence are not sufficient to establish a definitive association between this variant and the reported condition. Therefore, this variant is classified as a variant of uncertain significance.